The following is an entry in ClinVar:

NM_001056.4(SULT1C2):c.278-2264A>G

Gene: SULT1C2 (sulfotransferase family 1C member 2; plus strand). Cytogenetic location: 2q12.3.
Variant type: single nucleotide variant.
Coding change: c.278-2264A>G on transcript NM_001056.4 (MANE Select); 2264 bases into the intron before coding-DNA position 278, A replaced by G.
Molecular consequence: intron variant. On other transcripts: synonymous variant (1).
Genome position (GRCh38, 1-based): chr2:108,298,574, A>G. VCF-style: chr2-108298574-A-G. GRCh37 (hg19) VCF-style: chr2-108915030-A-G.
Other names: c.285A>G, p.Gly95= (NM_176825.3).
Identifiers: ClinVar variation 3770811 (VCV003770811.13).
Genomic context (GRCh38, chr2:108,298,574, plus strand): 5'-ACTACAGGTGCGTATCACCATGCCCAGCTAATTTTGGTATTTTTTTTTTTTAGAGACAGG[A>G]TTTCACCATGTTGCCCAGGCTGGTCTCAAACTCCTGAGCTCAAGCAATCCACCTGCCTCA-3'

ClinVar aggregate classification (germline): Likely benign (1 of 4 stars; one submission).

Submission:

CeGaT Center for Human Genetics Tuebingen
Classification: Likely benign. Last evaluated: 2025-02-01. Review status: criteria provided, single submitter. Criteria: CeGaT Center For Human Genetics Tuebingen Variant Classification Criteria Version 2. Collection method: clinical testing. Allele origin: germline. Affected: yes. Observed: 1 variant allele.
Comment: SULT1C2: PM2:Supporting, BP4, BP7